The following is an entry in ClinVar:

ClinVar aggregate classification (germline): Likely benign (0 of 4 stars; one submission).

Conditions:
EFCAB5-related disorder. Also called: EFCAB5-related condition.

Allele frequency attached by ClinVar (database versions not stated): ESP Exome Variant Server 0.00017; gnomAD exomes 0.00042; gnomAD 0.00094; TOPMed 0.00112; ExAC 0.00145; 1000 Genomes Project 30x 0.00593; 1000 Genomes Project 0.00659.
gnomAD v4.1: 821 of 1,613,692 alleles (0.051%); highest among the groups gnomAD compares: East Asian, 1.3%; 5 homozygotes.

Submission:

PreventionGenetics, part of Exact Sciences
Classification: Likely benign for EFCAB5-related condition. Last evaluated: 2019-08-07. Review status: no assertion criteria provided. Collection method: clinical testing. Allele origin: germline.
Comment: This variant is classified as likely benign based on ACMG/AMP sequence variant interpretation guidelines (Richards et al. 2015 PMID: 25741868, with internal and published modifications).

NM_198529.4(EFCAB5):c.887G>A (p.Trp296Ter)

Gene: EFCAB5 (EF-hand calcium binding domain 5; plus strand). Cytogenetic location: 17q11.2.
Variant type: single nucleotide variant.
Coding change: c.887G>A on transcript NM_198529.4 (MANE Select); coding-DNA position 887, G replaced by A.
Protein change: p.Trp296Ter; replaces tryptophan 296 with a stop codon.
Molecular consequence: nonsense. On other transcripts: non-coding transcript variant (1).
Genome position (GRCh38, 1-based): chr17:29,993,284, G>A. VCF-style: chr17-29993284-G-A. GRCh37 (hg19) VCF-style: chr17-28320302-G-A.
Other names: c.719G>A, p.Trp240Ter (NM_001145053.2); short protein forms W240*, W296*.
Identifiers: ClinVar variation 3055261 (VCV003055261.2), dbSNP rs74546291, ClinGen allele CA8478653.